The following is an entry in ClinVar:

NM_002439.5(MSH3):c.2384T>C (p.Leu795Pro)

Gene: MSH3 (mutS homolog 3; plus strand). Cytogenetic location: 5q14.1.
Variant type: single nucleotide variant.
Coding change: c.2384T>C on transcript NM_002439.5 (MANE Select); coding-DNA position 2384, T replaced by C.
Protein change: p.Leu795Pro; replaces leucine 795 with proline.
Molecular consequence: missense variant.
Genome position (GRCh38, 1-based): chr5:80,778,785, T>C. VCF-style: chr5-80778785-T-C. GRCh37 (hg19) VCF-style: chr5-80074604-T-C.
Other names: c.2384T>C (NM_002439.3); short protein forms L795P.
Identifiers: ClinVar variation 2818357 (VCV002818357.4), dbSNP rs1210674099, ClinGen allele CA360281837.

ClinVar aggregate classification (germline): Uncertain significance. Review status: criteria provided, multiple submitters, no conflicts (2 of 4 stars). 2 submissions from 2 submitters: Uncertain significance (2). Last evaluated 2025-10-14.

Conditions:
Hereditary cancer-predisposing syndrome. Also called: Neoplastic Syndromes, Hereditary; Tumor predisposition; Hereditary Cancer Syndrome; Hereditary neoplastic syndrome. Identifiers: Orphanet 140162, MedGen C0027672, MeSH D009386, MONDO:0015356.

Submissions (2):

Ambry Genetics
Classification: Uncertain significance for Hereditary cancer-predisposing syndrome. Last evaluated: 2025-10-14. Review status: criteria provided, single submitter. Criteria: Ambry Variant Classification Scheme 2023. Collection method: clinical testing. Allele origin: germline.
Comment: The p.L795P variant (also known as c.2384T>C), located in coding exon 17 of the MSH3 gene, results from a T to C substitution at nucleotide position 2384. The leucine at codon 795 is replaced by proline, an amino acid with similar properties. This amino acid position is conserved. In addition, this alteration is predicted to be deleterious by in silico analysis. Based on the available evidence, the clinical significance of this variant remains unclear.

Labcorp Genetics (formerly Invitae), Labcorp
Classification: Uncertain significance. Last evaluated: 2024-06-10. Review status: criteria provided, single submitter. Criteria: Invitae Variant Classification Sherloc (09022015). Collection method: clinical testing. Allele origin: germline.
Comment: This sequence change replaces leucine, which is neutral and non-polar, with proline, which is neutral and non-polar, at codon 795 of the MSH3 protein (p.Leu795Pro). This variant is not present in population databases (gnomAD no frequency). This variant has not been reported in the literature in individuals affected with MSH3-related conditions. An algorithm developed to predict the effect of missense changes on protein structure and function (PolyPhen-2) suggests that this variant is likely to be disruptive. In summary, the available evidence is currently insufficient to determine the role of this variant in disease. Therefore, it has been classified as a Variant of Uncertain Significance.